The following is an entry in ClinVar:

NM_024422.6(DSC2):c.88G>A (p.Asp30Asn)

Gene: DSC2 (desmocollin 2; minus strand). Cytogenetic location: 18q12.1.
Variant type: single nucleotide variant.
Coding change: c.88G>A on transcript NM_024422.6 (MANE Select); coding-DNA position 88, G replaced by A.
Protein change: p.Asp30Asn; replaces aspartic acid 30 with asparagine.
Molecular consequence: missense variant.
Genome position (GRCh38, 1-based): chr18:31,093,625, C>T on the plus strand (G>A on the coding strand, the complement: DSC2 is on the minus strand). VCF-style: chr18-31093625-C-T. GRCh37 (hg19) VCF-style: chr18-28673588-C-T.
Other names: c.88G>A, p.Asp30Asn (NM_004949.5); short protein forms D30N.
Identifiers: ClinVar variation 926945 (VCV000926945.7), dbSNP rs1987673824, ClinGen allele CA402115152.

ClinVar aggregate classification (germline): Conflicting classifications of pathogenicity. Review status: criteria provided, conflicting classifications (1 of 4 stars). 3 submissions from 3 submitters: Uncertain significance (2); Likely benign (1). Last evaluated 2024-05-25.

Conditions:
Cardiovascular phenotype. Identifiers: MedGen CN230736.
Cardiomyopathy (CMYO). Also called: Cardiomyopathies. Identifiers: Orphanet 167848, MedGen C0878544, MONDO:0004994, HP:0001638. Inheritance: Various modes of inheritance.
Familial isolated arrhythmogenic right ventricular dysplasia. Identifiers: Orphanet 217656, MedGen C4274968, MONDO:0016342.

Allele frequency attached by ClinVar (database versions not stated): gnomAD exomes below 0.00001.
gnomAD v4.1: 1 of 1,593,956 alleles (0.000063%); highest among the groups gnomAD compares: Non-Finnish European, 0.000086%; no homozygotes.

Submissions (3):

Ambry Genetics
Classification: Likely benign for Cardiovascular phenotype. Last evaluated: 2024-05-25. Review status: criteria provided, single submitter. Criteria: Ambry Variant Classification Scheme 2023. Collection method: clinical testing. Allele origin: germline.

All of Us Research Program, National Institutes of Health
Classification: Uncertain significance for Familial isolated arrhythmogenic right ventricular dysplasia. Last evaluated: 2023-10-06. Review status: criteria provided, single submitter. Criteria: ACMG Guidelines, 2015. Collection method: clinical testing. Allele origin: germline. Inheritance: Autosomal dominant inheritance. Observed: 1 variant allele, 1 heterozygote.
Comment: This missense variant replaces aspartic acid with asparagine at codon 30 of the DSC2 protein. Computational prediction is inconclusive regarding the impact of this variant on protein structure and function (internally defined REVEL score threshold 0.5 < inconclusive < 0.7, PMID: 27666373). Splice site prediction tools suggest that this variant may not impact RNA splicing. To our knowledge, functional studies have not been performed for this variant. This variant has not been reported in individuals affected with cardiovascular disorders in the literature. This variant has not been identified in the general population by the Genome Aggregation Database (gnomAD). The available evidence is insufficient to determine the role of this variant in disease conclusively. Therefore, this variant is classified as a Variant of Uncertain Significance.

This study involves interpretation of variants in research participants for the purpose of population health screening. Participant phenotype was not available at the time of variant classification. Additional details can be found in publication PMID: 35346344, PMCID: PMC8962531

Color Diagnostics, LLC DBA Color Health
Classification: Uncertain significance for Cardiomyopathy. Last evaluated: 2023-09-25. Review status: criteria provided, single submitter. Criteria: ACMG Guidelines, 2015. Collection method: clinical testing. Allele origin: germline.
Comment: This missense variant replaces aspartic acid with asparagine at codon 30 of the DSC2 protein. Computational prediction suggests that this variant may not impact protein structure and function (internally defined REVEL score threshold <= 0.5, PMID: 27666373). A functional study has shown that this variant has no significant impact on intracellular DSC2 processing and transport (PMID: 37273868). This variant has not been reported in individuals affected with cardiovascular disorders in the literature. This variant has not been identified in the general population by the Genome Aggregation Database (gnomAD). The available evidence is insufficient to determine the role of this variant in disease conclusively. Therefore, this variant is classified as a Variant of Uncertain Significance.

Literature cited by the submitters: PubMed 37273868 (cited by Color Diagnostics, LLC DBA Color Health).